The following is an entry in ClinVar:

ClinVar aggregate classification (germline): Uncertain significance (1 of 4 stars; one submission).

Conditions:
Landau-Kleffner syndrome (FESD). Also called: EPILEPSY, FOCAL, WITH SPEECH DISORDER AND WITH OR WITHOUT MENTAL RETARDATION; APHASIA, ACQUIRED, WITH EPILEPSY. Identifiers: Orphanet 1945, Orphanet 725, Orphanet 98818, MedGen C0282512, MONDO:0009509, OMIM 245570.

Submission:

Labcorp Genetics (formerly Invitae), Labcorp
Classification: Uncertain significance for Landau-Kleffner syndrome. Last evaluated: 2022-11-24. Review status: criteria provided, single submitter. Criteria: Invitae Variant Classification Sherloc (09022015). Collection method: clinical testing. Allele origin: germline.
Comment: This sequence change replaces arginine, which is basic and polar, with glycine, which is neutral and non-polar, at codon 244 of the GRIN2A protein (p.Arg244Gly). This variant is not present in population databases (gnomAD no frequency). This variant has not been reported in the literature in individuals affected with GRIN2A-related conditions. Advanced modeling of protein sequence and biophysical properties (such as structural, functional, and spatial information, amino acid conservation, physicochemical variation, residue mobility, and thermodynamic stability) performed at Invitae indicates that this missense variant is not expected to disrupt GRIN2A protein function. In summary, the available evidence is currently insufficient to determine the role of this variant in disease. Therefore, it has been classified as a Variant of Uncertain Significance.

NM_001134407.3(GRIN2A):c.730C>G (p.Arg244Gly)

Gene: GRIN2A (glutamate ionotropic receptor NMDA type subunit 2A; minus strand). Cytogenetic location: 16p13.2.
Variant type: single nucleotide variant.
Coding change: c.730C>G on transcript NM_001134407.3 (MANE Select); coding-DNA position 730, C replaced by G.
Protein change: p.Arg244Gly; replaces arginine 244 with glycine.
Molecular consequence: missense variant.
Genome position (GRCh38, 1-based): chr16:9,938,236, G>C on the plus strand (C>G on the coding strand, the complement: GRIN2A is on the minus strand). VCF-style: chr16-9938236-G-C. GRCh37 (hg19) VCF-style: chr16-10032093-G-C.
Other names: c.730C>G, p.Arg244Gly (NM_000833.5, NM_001134408.2); short protein forms R244G.
Identifiers: ClinVar variation 2816342 (VCV002816342.3), dbSNP rs367543123, ClinGen allele CA394798622.